The following is an entry in ClinVar:

NM_001923.5(DDB1):c.344C>T (p.Pro115Leu)

Gene: DDB1 (damage specific DNA binding protein 1; minus strand). Cytogenetic location: 11q12.2.
Variant type: single nucleotide variant.
Coding change: c.344C>T on transcript NM_001923.5 (MANE Select); coding-DNA position 344, C replaced by T.
Protein change: p.Pro115Leu; replaces proline 115 with leucine.
Molecular consequence: missense variant.
Genome position (GRCh38, 1-based): chr11:61,329,568, G>A on the plus strand (C>T on the coding strand, the complement: DDB1 is on the minus strand). VCF-style: chr11-61329568-G-A. GRCh37 (hg19) VCF-style: chr11-61097040-G-A.
Other names: short protein forms P115L.
Identifiers: ClinVar variation 3370935 (VCV003370935.1).

ClinVar aggregate classification (germline): Uncertain significance (1 of 4 stars; one submission).

Submission:

GeneDx
Classification: Uncertain significance. Last evaluated: 2024-03-12. Review status: criteria provided, single submitter. Criteria: GeneDx Variant Classification Process June 2021. Collection method: clinical testing. Allele origin: germline. Affected: yes.
Comment: Not observed at significant frequency in large population cohorts (gnomAD); In silico analysis supports that this missense variant has a deleterious effect on protein structure/function; Has not been previously published as pathogenic or benign to our knowledge